The following is an entry in ClinVar:

ClinVar aggregate classification (germline): Uncertain significance. Review status: criteria provided, multiple submitters, no conflicts (2 of 4 stars). 2 submissions from 2 submitters: Uncertain significance (2). Last evaluated 2022-11-15.

Conditions:
Hereditary cancer-predisposing syndrome. Also called: Neoplastic Syndromes, Hereditary; Tumor predisposition; Hereditary Cancer Syndrome; Hereditary neoplastic syndrome. Identifiers: Orphanet 140162, MedGen C0027672, MeSH D009386, MONDO:0015356.
Hereditary breast ovarian cancer syndrome. Also called: Hereditary breast and ovarian cancer syndrome; Hereditary breast and ovarian cancer; Hereditary breast and ovarian cancer syndrome (HBOC); Breast and ovarian cancer; Hereditary breast and/or ovarian cancer syndrome; BRCA1- and BRCA2-Associated Hereditary Breast and Ovarian Cancer. Identifiers: Orphanet 145, MedGen C0677776, MeSH D061325, MONDO:0003582. Disease mechanism: loss of function.

Submissions (2):

Labcorp Genetics (formerly Invitae), Labcorp
Classification: Uncertain significance for Hereditary breast ovarian cancer syndrome. Last evaluated: 2022-11-15. Review status: criteria provided, single submitter. Criteria: Invitae Variant Classification Sherloc (09022015). Collection method: clinical testing. Allele origin: germline.
Comment: This sequence change replaces proline, which is neutral and non-polar, with arginine, which is basic and polar, at codon 3278 of the BRCA2 protein (p.Pro3278Arg). This variant is not present in population databases (gnomAD no frequency). This variant has not been reported in the literature in individuals affected with BRCA2-related conditions. ClinVar contains an entry for this variant (Variation ID: 485424). Advanced modeling of protein sequence and biophysical properties (such as structural, functional, and spatial information, amino acid conservation, physicochemical variation, residue mobility, and thermodynamic stability) performed at Invitae indicates that this missense variant is not expected to disrupt BRCA2 protein function. In summary, the available evidence is currently insufficient to determine the role of this variant in disease. Therefore, it has been classified as a Variant of Uncertain Significance.

Ambry Genetics
Classification: Uncertain significance for Hereditary cancer-predisposing syndrome. Last evaluated: 2016-11-02. Review status: criteria provided, single submitter. Criteria: Ambry Variant Classification Scheme 2023. Collection method: clinical testing. Allele origin: germline.
Comment: The p.P3278R variant (also known as c.9833C>G), located in coding exon 26 of the BRCA2 gene, results from a C to G substitution at nucleotide position 9833. The proline at codon 3278 is replaced by arginine, an amino acid with dissimilar properties. This variant was not reported in population based cohorts in the following databases: Database of Single Nucleotide Polymorphisms (dbSNP), NHLBI Exome Sequencing Project (ESP), and 1000 Genomes Project. In the ESP, this variant was not observed in 6503 samples (13006 alleles) with coverage at this position. To date, this alteration has been detected with an allele frequency of approximately 0.0003% (greater than 300000 alleles tested) in our clinical cohort. This amino acid position is highly conserved in available vertebrate species. In addition, this alteration is predicted to be tolerated by in silico analysis. Since supporting evidence is limited at this time, the clinical significance of this alteration remains unclear.

NM_000059.4(BRCA2):c.9833C>G (p.Pro3278Arg)

Gene: BRCA2 (BRCA2 DNA repair associated; plus strand). Cytogenetic location: 13q13.1.
Variant type: single nucleotide variant.
Coding change: c.9833C>G on transcript NM_000059.4 (MANE Select); coding-DNA position 9833, C replaced by G.
Protein change: p.Pro3278Arg; replaces proline 3278 with arginine.
Molecular consequence: missense variant.
Genome position (GRCh38, 1-based): chr13:32,398,346, C>G. VCF-style: chr13-32398346-C-G. GRCh37 (hg19) VCF-style: chr13-32972483-C-G.
Other names: short protein forms P3278R.
Identifiers: ClinVar variation 485424 (VCV000485424.8), dbSNP rs768039420, ClinGen allele CA387766356.